The following is an entry in ClinVar:

ClinVar aggregate classification (germline): Uncertain significance (1 of 4 stars; one submission).

Allele frequency attached by ClinVar (database versions not stated): gnomAD exomes below 0.00001.

Submission:

Labcorp Genetics (formerly Invitae), Labcorp
Classification: Uncertain significance. Last evaluated: 2022-10-27. Review status: criteria provided, single submitter. Criteria: Invitae Variant Classification Sherloc (09022015). Collection method: clinical testing. Allele origin: germline.
Comment: This sequence change replaces alanine, which is neutral and non-polar, with threonine, which is neutral and polar, at codon 244 of the NLRP1 protein (p.Ala244Thr). This variant is present in population databases (no rsID available, gnomAD 0.003%). This variant has not been reported in the literature in individuals affected with NLRP1-related conditions. Algorithms developed to predict the effect of missense changes on protein structure and function (SIFT, PolyPhen-2, Align-GVGD) all suggest that this variant is likely to be tolerated. In summary, the available evidence is currently insufficient to determine the role of this variant in disease. Therefore, it has been classified as a Variant of Uncertain Significance.

NM_033004.4(NLRP1):c.730G>A (p.Ala244Thr)

Gene: NLRP1 (NLR family pyrin domain containing 1; minus strand). Cytogenetic location: 17p13.2.
Variant type: single nucleotide variant.
Coding change: c.730G>A on transcript NM_033004.4 (MANE Select); coding-DNA position 730, G replaced by A.
Protein change: p.Ala244Thr; replaces alanine 244 with threonine.
Molecular consequence: missense variant.
Genome position (GRCh38, 1-based): chr17:5,559,966, C>T on the plus strand (G>A on the coding strand, the complement: NLRP1 is on the minus strand). VCF-style: chr17-5559966-C-T. GRCh37 (hg19) VCF-style: chr17-5463286-C-T.
Other names: c.730G>A, p.Ala244Thr (NM_001033053.3, NM_014922.5, NM_033006.4 and 1 more transcripts); short protein forms A244T.
Identifiers: ClinVar variation 2786767 (VCV002786767.3), dbSNP rs1409120323, ClinGen allele CA397388154.
Genomic context (GRCh38, chr17:5,559,966, plus strand): 5'-AGAGGCTCTCTCTCACAGAAGGCTCCCATGGGTGGTGGTGGGGCTGTAGGCTGGTGTGCG[C>T]CTGTGGGGGCGTTCCTACCACCGCTGCCCATGGGGGCCTGCCTTTCTCTGATTTCTCTCT-3'
Protein context (NP_127497.1, residues 234-254): WAAVVGTPPQ[Ala244Thr]HTSLQPHHHP